The following is an entry in ClinVar:

ClinVar aggregate classification (germline): Benign/Likely benign. Review status: criteria provided, multiple submitters, no conflicts (2 of 4 stars). 12 submissions from 12 submitters: Benign (2); Likely benign (9). 1 of the submissions does not count toward it. Last evaluated 2026-01-31.

Conditions:
Hereditary nonpolyposis colorectal neoplasms. Identifiers: MedGen C0009405, MeSH D003123.
Hereditary cancer-predisposing syndrome. Also called: Tumor predisposition; Neoplastic Syndromes, Hereditary; Hereditary neoplastic syndrome; Hereditary Cancer Syndrome. Identifiers: Orphanet 140162, MedGen C0027672, MeSH D009386, MONDO:0015356.
Lynch syndrome 4 (LYNCH4). Also called: Hereditary non-polyposis colorectal cancer, type 4; Colorectal cancer, hereditary nonpolyposis, type 4. Identifiers: Orphanet 144, MedGen C1838333, MONDO:0013699, OMIM 614337. Disease mechanism: loss of function.
Malignant tumor of breast. Also called: Malignant breast neoplasm; Cancer breast. Identifiers: MedGen C0006142, MONDO:0007254. Disease mechanism: loss of function.

Allele frequency attached by ClinVar (database versions not stated): gnomAD exomes 0.00005 and 0.00008; gnomAD 0.00008; ExAC 0.00009; TOPMed 0.00012.
gnomAD v4.1: 86 of 1,614,000 alleles (0.0053%); highest among the groups gnomAD compares: African/African-American, 0.023%; no homozygotes.

Submissions (12):

Labcorp Genetics (formerly Invitae), Labcorp
Classification: Likely benign for Hereditary nonpolyposis colorectal neoplasms. Last evaluated: 2026-01-31. Review status: criteria provided, single submitter. Criteria: Invitae Variant Classification Sherloc (09022015). Collection method: clinical testing. Allele origin: germline.

Center for Genomic Medicine, Rigshospitalet, Copenhagen University Hospital
Classification: Likely benign. Last evaluated: 2025-12-29. Review status: criteria provided, single submitter. Criteria: ACMG Guidelines, 2015. Collection method: clinical testing. Allele origin: germline.
Comment: Classification criteria: BS1, BP4, BP7

ARUP Laboratories, Molecular Genetics and Genomics, ARUP Laboratories
Classification: Likely benign. Last evaluated: 2025-02-28. Review status: criteria provided, single submitter. Criteria: ARUP Molecular Germline Variant Investigation Process 2024. Collection method: clinical testing. Allele origin: germline.

Myriad Genetics, Inc.
Classification: Benign for Lynch syndrome 4. Last evaluated: 2025-01-31. Review status: criteria provided, single submitter. Criteria: Myriad Autosomal Dominant, Autosomal Recessive and X-Linked Classification Criteria (2023). Collection method: clinical testing. Allele origin: unknown.
Comment: This variant is considered benign. This variant is a silent/synonymous amino acid change and it is not expected to impact splicing.

Blueprint Genetics
Classification: Likely benign. Last evaluated: 2024-04-08. Review status: criteria provided, single submitter. Criteria: ACMG Guidelines, 2015. Collection method: clinical testing. Allele origin: germline.

Quest Diagnostics Nichols Institute San Juan Capistrano
Classification: Likely benign. Last evaluated: 2023-06-26. Review status: criteria provided, single submitter. Criteria: Quest Diagnostics criteria. Collection method: clinical testing. Allele origin: unknown.

GeneDx
Classification: Likely benign. Last evaluated: 2021-09-27. Review status: criteria provided, single submitter. Criteria: GeneDx Variant Classification Process June 2021. Collection method: clinical testing. Allele origin: germline. Affected: yes.

Sema4
Classification: Likely benign for Hereditary cancer-predisposing syndrome. Last evaluated: 2021-03-08. Review status: criteria provided, single submitter. Criteria: Sema4 Curation Guidelines. Collection method: curation. Allele origin: germline.

Women's Health and Genetics/Laboratory Corporation of America, LabCorp
Classification: Benign. Last evaluated: 2019-11-15. Review status: criteria provided, single submitter. Criteria: LabCorp Variant Classification Summary - May 2015. Collection method: clinical testing. Allele origin: germline.

Color Diagnostics, LLC DBA Color Health
Classification: Likely benign for Hereditary cancer-predisposing syndrome. Last evaluated: 2016-05-16. Review status: criteria provided, single submitter. Criteria: ACMG Guidelines, 2015. Collection method: clinical testing. Allele origin: germline.

Ambry Genetics
Classification: Likely benign for Hereditary cancer-predisposing syndrome. Last evaluated: 2015-08-16. Review status: criteria provided, single submitter. Criteria: Ambry Variant Classification Scheme 2023. Collection method: clinical testing. Allele origin: germline.

Department of Pathology and Laboratory Medicine, Sinai Health System
Classification: Likely benign for Malignant tumor of breast. Review status: no assertion criteria provided. Collection method: clinical testing. Allele origin: unknown. Affected: yes. Study: The Canadian Open Genetics Repository (COGR). Not counted in ClinVar's aggregate classification.
Comment: The PMS2 p.His552= variant was not identified in the literature. The variant was identified in dbSNP (ID: rs113726095) as "With Likely benign allele" and ClinVar (classified as likely benign by Invitae, Ambry Genetics, GeneDx and Color). The variant was identified in 21 of 276914 chromosomes at a frequency of 0.00008 (Genome Aggregation Database Feb 27, 2017). It was observed in the following populations: African in 5 of 23880 chromosomes (freq: 0.0002), Other in 1 of 6466 chromosomes (freq: 0.0002), Latino in 2 of 34420 chromosomes (freq: 0.00006), European in 10 of 126558 chromosomes (freq: 0.00008), and South Asian in 3 of 30782 chromosomes (freq: 0.00009); it was not observed in the Ashkenazi Jewish, East Asian, or Finnish populations. The p.His552= variant is not expected to have clinical significance because it does not result in a change of amino acid and is not located in a known consensus splice site. The variant occurs outside of the splicing consensus sequence and in silico or computational prediction software programs (SpliceSiteFinder, MaxEntScan, NNSPLICE, GeneSplicer) do not predict a difference in splicing. In summary, based on the above information, the clinical significance of this variant cannot be determined with certainty at this time although we would lean towards a more benign role for this variant. This variant is classified as likely benign.

NM_000535.7(PMS2):c.1656T>C (p.His552=)

Gene: PMS2 (PMS1 homolog 2, mismatch repair system component; minus strand). Cytogenetic location: 7p22.1.
Variant type: single nucleotide variant.
Coding change: c.1656T>C on transcript NM_000535.7 (MANE Select); coding-DNA position 1656, T replaced by C.
Protein change: p.His552=; no amino-acid change (histidine 552 retained).
Molecular consequence: synonymous variant. On other transcripts: non-coding transcript variant (1).
Genome position (GRCh38, 1-based): chr7:5,987,109, A>G on the plus strand (T>C on the coding strand, the complement: PMS2 is on the minus strand). VCF-style: chr7-5987109-A-G. GRCh37 (hg19) VCF-style: chr7-6026740-A-G.
Other names: c.1251T>C, p.His417= (NM_001322003.2, NM_001322004.2, NM_001322005.2 and 1 more transcripts); c.1500T>C, p.His500= (NM_001322006.2); c.1338T>C, p.His446= (NM_001322007.2, NM_001322008.2); c.1095T>C, p.His365= (NM_001322010.2); c.723T>C, p.His241= (NM_001322011.2, NM_001322012.2); c.1083T>C, p.His361= (NM_001322013.2); c.1656T>C, p.His552= (NM_001322014.2); c.1347T>C, p.His449= (NM_001322015.2).
Identifiers: ClinVar variation 185030 (VCV000185030.29), dbSNP rs113726095, ClinGen allele CA010003.